The following is an entry in ClinVar:

ClinVar aggregate classification (germline): Uncertain significance (1 of 4 stars; one submission).

Conditions:
Adams-Oliver syndrome 5 (AOS5). Identifiers: Orphanet 974, MedGen C4014970, MONDO:0014459, OMIM 616028.

Submission:

Labcorp Genetics (formerly Invitae), Labcorp
Classification: Uncertain significance for Adams-Oliver syndrome 5. Last evaluated: 2022-10-27. Review status: criteria provided, single submitter. Criteria: Invitae Variant Classification Sherloc (09022015). Collection method: clinical testing. Allele origin: germline.
Comment: Advanced modeling of protein sequence and biophysical properties (such as structural, functional, and spatial information, amino acid conservation, physicochemical variation, residue mobility, and thermodynamic stability) performed at Invitae indicates that this missense variant is not expected to disrupt NOTCH1 protein function. This sequence change replaces alanine, which is neutral and non-polar, with aspartic acid, which is acidic and polar, at codon 2167 of the NOTCH1 protein (p.Ala2167Asp). This variant is not present in population databases (gnomAD no frequency). This variant has not been reported in the literature in individuals affected with NOTCH1-related conditions. In summary, the available evidence is currently insufficient to determine the role of this variant in disease. Therefore, it has been classified as a Variant of Uncertain Significance.

NM_017617.5(NOTCH1):c.6500C>A (p.Ala2167Asp)

Gene: NOTCH1 (notch receptor 1; minus strand). Cytogenetic location: 9q34.3.
Variant type: single nucleotide variant.
Coding change: c.6500C>A on transcript NM_017617.5 (MANE Select); coding-DNA position 6500, C replaced by A.
Protein change: p.Ala2167Asp; replaces alanine 2167 with aspartic acid.
Molecular consequence: missense variant.
Genome position (GRCh38, 1-based): chr9:136,497,239, G>T on the plus strand (C>A on the coding strand, the complement: NOTCH1 is on the minus strand). VCF-style: chr9-136497239-G-T. GRCh37 (hg19) VCF-style: chr9-139391691-G-T.
Other names: short protein forms A2167D.
Identifiers: ClinVar variation 3017241 (VCV003017241.3), dbSNP rs2133318262, ClinGen allele CA375631483.